The following is an entry in ClinVar:

ClinVar aggregate classification (germline): Uncertain significance. Review status: criteria provided, multiple submitters, no conflicts (2 of 4 stars). 2 submissions from 2 submitters: Uncertain significance (2). Last evaluated 2025-02-21.

Conditions:
Inborn genetic diseases. Identifiers: MedGen C0950123, MeSH D030342.

Submissions (2):

Ambry Genetics
Classification: Uncertain significance for Inborn genetic diseases. Last evaluated: 2025-02-21. Review status: criteria provided, single submitter. Criteria: Ambry Variant Classification Scheme 2023. Collection method: clinical testing. Allele origin: germline.
Comment: The p.D1180V variant (also known as c.3539A>T), located in coding exon 14 of the FANCM gene, results from an A to T substitution at nucleotide position 3539. The aspartic acid at codon 1180 is replaced by valine, an amino acid with highly dissimilar properties. This amino acid position is conserved. In addition, the in silico prediction for this alteration is inconclusive. Based on the available evidence, the clinical significance of this variant remains unclear.

Blueprint Genetics
Classification: Uncertain significance. Last evaluated: 2024-02-21. Review status: criteria provided, single submitter. Criteria: ACMG Guidelines, 2015. Collection method: clinical testing. Allele origin: germline.

NM_020937.4(FANCM):c.3539A>T (p.Asp1180Val)

Gene: FANCM (FA complementation group M; plus strand). Cytogenetic location: 14q21.2.
Variant type: single nucleotide variant.
Coding change: c.3539A>T on transcript NM_020937.4 (MANE Select); coding-DNA position 3539, A replaced by T.
Protein change: p.Asp1180Val; replaces aspartic acid 1180 with valine.
Molecular consequence: missense variant.
Genome position (GRCh38, 1-based): chr14:45,176,293, A>T. VCF-style: chr14-45176293-A-T. GRCh37 (hg19) VCF-style: chr14-45645496-A-T.
Other names: c.3461A>T, p.Asp1154Val (NM_001308133.2); short protein forms D1154V, D1180V.
Identifiers: ClinVar variation 3848747 (VCV003848747.2).